The following is an entry in ClinVar:

NM_001127511.3(APC):c.140C>T (p.Ser47Phe)

Gene: APC (APC regulator of Wnt signaling pathway; plus strand). Cytogenetic location: 5q22.2.
Variant type: single nucleotide variant.
Coding change: c.140C>T on transcript NM_001127511.3; coding-DNA position 140, C replaced by T.
Protein change: p.Ser47Phe; replaces serine 47 with phenylalanine.
Molecular consequence: missense variant. On other transcripts: 5 prime UTR variant (8), non-coding transcript variant (1), intron variant (5).
Genome position (GRCh38, 1-based): chr5:112,707,857, C>T. VCF-style: chr5-112707857-C-T. GRCh37 (hg19) VCF-style: chr5-112043554-C-T.
Other names: c.-44C>T (NM_001354895.2, NM_001407447.1, NM_001407452.1 and 3 more transcripts); c.140C>T, p.Ser47Phe (NM_001354897.2, NM_001354902.2, NM_001407446.1); c.-1079C>T (NM_001407470.1, NM_001407472.1); c.-19+208C>T (NM_001407448.1, NM_001407450.1, NM_001407457.1 and 1 more transcripts); c.-43+208C>T (NM_001407453.1); short protein forms S47F.
Identifiers: ClinVar variation 1433650 (VCV001433650.6), dbSNP rs1750615769, ClinGen allele CA360612130.
Genomic context (GRCh38, chr5:112,707,857, plus strand): 5'-CCGGCGGCAGCAGGAGCTGCGTCCGGCAGGAGACGAAGAGCCCGGGCGGCGCTCGTACTT[C>T]TGGCCACTGGGCGAGCGTCTGGCAGGTGAGTGAGGCTGCAGGCATTGACGTCTCCTCCCG-3'

ClinVar aggregate classification (germline): Uncertain significance (1 of 4 stars; one submission).

Conditions:
Familial adenomatous polyposis 1 (FAP1). Also called: FAMILIAL ADENOMATOUS POLYPOSIS 1, ATTENUATED; POLYPOSIS, ADENOMATOUS INTESTINAL. Identifiers: MedGen C2713442, MONDO:0021056, OMIM 175100. Disease mechanism: loss of function.

Allele frequency attached by ClinVar (database versions not stated): gnomAD exomes below 0.00001.
gnomAD v4.1: 2 of 1,370,110 alleles (0.00015%); highest among the groups gnomAD compares: African/African-American, 0.0014%; no homozygotes.

Submission:

Labcorp Genetics (formerly Invitae), Labcorp
Classification: Uncertain significance for Familial adenomatous polyposis 1. Last evaluated: 2024-10-02. Review status: criteria provided, single submitter. Criteria: Invitae Variant Classification Sherloc (09022015). Collection method: clinical testing. Allele origin: germline.
Comment: This variant occurs in a non-coding region of the APC gene. It does not change the encoded amino acid sequence of the APC protein. This variant is not present in population databases (gnomAD no frequency). This variant has not been reported in the literature in individuals affected with APC-related conditions. Experimental studies and prediction algorithms are not available or were not evaluated, and the functional significance of this variant is currently unknown. In summary, the available evidence is currently insufficient to determine the role of this variant in disease. Therefore, it has been classified as a Variant of Uncertain Significance.